The following is an entry in ClinVar:

NM_000548.5(TSC2):c.2925C>T (p.Phe975=)

Gene: TSC2 (TSC complex subunit 2; plus strand). Cytogenetic location: 16p13.3.
Variant type: single nucleotide variant.
Coding change: c.2925C>T on transcript NM_000548.5 (MANE Select); coding-DNA position 2925, C replaced by T.
Protein change: p.Phe975=; no amino-acid change (phenylalanine 975 retained).
Molecular consequence: synonymous variant. On other transcripts: intron variant (31).
Genome position (GRCh38, 1-based): chr16:2,077,685, C>T. VCF-style: chr16-2077685-C-T. GRCh37 (hg19) VCF-style: chr16-2127686-C-T.
Other names: c.2237+1100C>T (NM_001406687.1, NM_001406685.1, NM_001318831.2 and 2 more transcripts); c.1493+1100C>T (NM_001406690.1, NM_001406692.1, NM_001406691.1 and 5 more transcripts); c.1235+1100C>T (NM_001406698.1); c.2837+1100C>T (NM_021055.3, NM_001370405.1, NM_001363528.2 and 3 more transcripts); c.2825+1100C>T (NM_001406671.1, NM_001406673.1); c.2375+1100C>T (NM_001406681.1); c.2726+1100C>T (NM_001318827.2, NM_001406678.1); c.2780+1100C>T (NM_001406677.1); and 8 more.
Identifiers: ClinVar variation 4071247 (VCV004071247.1).
Genomic context (GRCh38, chr16:2,077,685, plus strand): 5'-AGGCTTGAATAACTCTCCACCCGTGAAAGAATTCAAGGAGAGCTCTGCAGCCGAGGCCTT[C>T]CGGTGCCGCAGCATCAGTGTGTCTGAACATGTGGTCCGCAGGTAGCGGGACTGTCGGGTG-3'
Protein context (NP_000539.2, residues 965-985): EFKESSAAEA[Phe975=]RCRSISVSEH

ClinVar aggregate classification (germline): Benign (1 of 4 stars; one submission).

Conditions:
Tuberous sclerosis 2 (TSC2). Identifiers: Orphanet 805, MedGen C1860707, MONDO:0013199, OMIM 613254.

gnomAD v4.1: 3 of 1,613,098 alleles (0.00019%); highest among the groups gnomAD compares: Non-Finnish European, 0.00025%; no homozygotes.

Submission:

Myriad Genetics, Inc.
Classification: Benign for Tuberous sclerosis 2. Last evaluated: 2025-05-27. Review status: criteria provided, single submitter. Criteria: Myriad Autosomal Dominant, Autosomal Recessive and X-Linked Classification Criteria (2023). Collection method: clinical testing. Allele origin: unknown.
Comment: This variant is considered benign. This variant is a silent/synonymous amino acid change and it is not expected to impact splicing.